The following is an entry in ClinVar:

NM_177550.5(SLC13A5):c.1093A>C (p.Thr365Pro)

Gene: SLC13A5 (solute carrier family 13 member 5; minus strand). Cytogenetic location: 17p13.1.
Variant type: single nucleotide variant.
Coding change: c.1093A>C on transcript NM_177550.5 (MANE Select); coding-DNA position 1093, A replaced by C.
Protein change: p.Thr365Pro; replaces threonine 365 with proline.
Molecular consequence: missense variant.
Genome position (GRCh38, 1-based): chr17:6,694,160, T>G on the plus strand (A>C on the coding strand, the complement: SLC13A5 is on the minus strand). VCF-style: chr17-6694160-T-G. GRCh37 (hg19) VCF-style: chr17-6597479-T-G.
Other names: c.1093A>C, p.Thr365Pro (NM_001143838.3); c.1042A>C, p.Thr348Pro (NM_001284509.2); c.964A>C, p.Thr322Pro (NM_001284510.2); short protein forms T348P, T322P, T365P.
Identifiers: ClinVar variation 2002045 (VCV002002045.4), dbSNP rs1597661181, ClinGen allele CA397742617.

ClinVar aggregate classification (germline): Uncertain significance (1 of 4 stars; one submission).

Conditions:
Developmental and epileptic encephalopathy, 25 (DEE25). Also called: Developmental and epileptic encephalopathy 25, with amelogenesis imperfecta; Epileptic encephalopathy, early infantile, 25, with amelogenesis imperfecta; Epileptic encephalopathy, early infantile, 25. Identifiers: Orphanet 442835, MedGen C4014621, MONDO:0014392, OMIM 615905.

Submission:

Labcorp Genetics (formerly Invitae), Labcorp
Classification: Uncertain significance for Developmental and epileptic encephalopathy, 25. Last evaluated: 2023-05-15. Review status: criteria provided, single submitter. Criteria: Invitae Variant Classification Sherloc (09022015). Collection method: clinical testing. Allele origin: germline.
Comment: In summary, the available evidence is currently insufficient to determine the role of this variant in disease. Therefore, it has been classified as a Variant of Uncertain Significance. Advanced modeling of protein sequence and biophysical properties (such as structural, functional, and spatial information, amino acid conservation, physicochemical variation, residue mobility, and thermodynamic stability) performed at Invitae indicates that this missense variant is not expected to disrupt SLC13A5 protein function. ClinVar contains an entry for this variant (Variation ID: 2002045). This variant has not been reported in the literature in individuals affected with SLC13A5-related conditions. This variant is not present in population databases (gnomAD no frequency). This sequence change replaces threonine, which is neutral and polar, with proline, which is neutral and non-polar, at codon 365 of the SLC13A5 protein (p.Thr365Pro).